The following is an entry in ClinVar:

ClinVar aggregate classification (germline): Benign/Likely benign. Review status: criteria provided, multiple submitters, no conflicts (2 of 4 stars). 5 submissions from 5 submitters: Benign (1); Likely benign (4). Last evaluated 2026-06-18.

Conditions:
Polyps, multiple and recurrent inflammatory fibroid, gastrointestinal. Identifiers: MedGen C5193005, MONDO:0008285, OMIM 175510.
Hereditary cancer-predisposing syndrome. Also called: Neoplastic Syndromes, Hereditary; Hereditary neoplastic syndrome; Hereditary Cancer Syndrome; Tumor predisposition. Identifiers: Orphanet 140162, MedGen C0027672, MeSH D009386, MONDO:0015356.
Gastrointestinal stromal tumor. Also called: Gastrointestinal stromal tumor, somatic; Gastrointestinal stroma tumor. Identifiers: Orphanet 44890, MedGen C0238198, MeSH D046152, MONDO:0011719, OMIM 606764, HP:0100723.

Allele frequency attached by ClinVar (database versions not stated): ExAC 0.00002; gnomAD exomes 0.00002; TOPMed 0.00003; gnomAD 0.00005.
gnomAD v4.1: 62 of 1,614,134 alleles (0.0038%); highest among the groups gnomAD compares: East Asian, 0.011%; no homozygotes.

Submissions (5):

Myriad Genetics, Inc.
Classification: Benign for Polyps, multiple and recurrent inflammatory fibroid, gastrointestinal. Last evaluated: 2026-06-18. Review status: criteria provided, single submitter. Criteria: Myriad Autosomal Dominant, Autosomal Recessive and X-Linked Classification Criteria (2023). Collection method: clinical testing. Allele origin: unknown.
Comment: This variant is considered benign. This variant is a silent/synonymous amino acid change and it is not expected to impact splicing.

Labcorp Genetics (formerly Invitae), Labcorp
Classification: Likely benign for Gastrointestinal stromal tumor. Last evaluated: 2026-02-03. Review status: criteria provided, single submitter. Criteria: Invitae Variant Classification Sherloc (09022015). Collection method: clinical testing. Allele origin: germline.

ARUP Laboratories, Molecular Genetics and Genomics, ARUP Laboratories
Classification: Likely benign. Last evaluated: 2023-05-25. Review status: criteria provided, single submitter. Criteria: ARUP Molecular Germline Variant Investigation Process 2024. Collection method: clinical testing. Allele origin: germline.

Sema4
Classification: Likely benign for Hereditary cancer-predisposing syndrome. Last evaluated: 2021-03-15. Review status: criteria provided, single submitter. Criteria: Sema4 Curation Guidelines. Collection method: curation. Allele origin: germline.

Ambry Genetics
Classification: Likely benign for Hereditary cancer-predisposing syndrome. Last evaluated: 2019-02-19. Review status: criteria provided, single submitter. Criteria: Ambry Variant Classification Scheme 2023. Collection method: clinical testing. Allele origin: germline.

NM_006206.6(PDGFRA):c.3003G>A (p.Lys1001=)

Gene: PDGFRA (platelet derived growth factor receptor alpha; plus strand). Cytogenetic location: 4q12.
Variant type: single nucleotide variant.
Coding change: c.3003G>A on transcript NM_006206.6 (MANE Select); coding-DNA position 3003, G replaced by A.
Protein change: p.Lys1001=; no amino-acid change (lysine 1001 retained).
Molecular consequence: synonymous variant.
Genome position (GRCh38, 1-based): chr4:54,290,435, G>A. VCF-style: chr4-54290435-G-A. GRCh37 (hg19) VCF-style: chr4-55156602-G-A.
Other names: c.3078G>A, p.Lys1026= (NM_001347828.2); c.3003G>A, p.Lys1001= (NM_001347829.2); c.3042G>A, p.Lys1014= (NM_001347830.2).
Identifiers: ClinVar variation 240340 (VCV000240340.18), dbSNP rs373642812, ClinGen allele CA2923013.